The following is an entry in ClinVar:

NM_016219.5(MAN1B1):c.1418G>A (p.Trp473Ter)

Gene: MAN1B1 (mannosidase alpha class 1B member 1; plus strand). Cytogenetic location: 9q34.3.
Variant type: single nucleotide variant.
Coding change: c.1418G>A on transcript NM_016219.5 (MANE Select); coding-DNA position 1418, G replaced by A.
Protein change: p.Trp473Ter; replaces tryptophan 473 with a stop codon.
Molecular consequence: nonsense. On other transcripts: non-coding transcript variant (2).
Genome position (GRCh38, 1-based): chr9:137,106,288, G>A. VCF-style: chr9-137106288-G-A. GRCh37 (hg19) VCF-style: chr9-140000740-G-A.
Other names: short protein forms W473*.
Identifiers: ClinVar variation 30414 (VCV000030414.3), dbSNP rs1564311909, ClinGen allele CA375655827.

ClinVar aggregate classification (germline): Pathogenic. Review status: criteria provided, single submitter (1 of 4 stars). 2 submissions from 2 submitters: Pathogenic (1). 1 of the submissions does not count toward it. Last evaluated 2025-10-08.

Conditions:
Rafiq syndrome (RAFQS). Identifiers: Orphanet 88616, MedGen C3280127, MONDO:0013624, OMIM 614202.

Submissions (2):

Labcorp Genetics (formerly Invitae), Labcorp
Classification: Pathogenic for Rafiq syndrome. Last evaluated: 2025-10-08. Review status: criteria provided, single submitter. Criteria: Invitae Variant Classification Sherloc (09022015). Collection method: clinical testing. Allele origin: germline.
Comment: This sequence change creates a premature translational stop signal (p.Trp473*) in the MAN1B1 gene. It is expected to result in an absent or disrupted protein product. Loss-of-function variants in MAN1B1 are known to be pathogenic (PMID: 24566669). This variant is not present in population databases (gnomAD no frequency). This premature translational stop signal has been observed in individual(s) with autosomal recessive intellectual disability (PMID: 21763484). ClinVar contains an entry for this variant (Variation ID: 30414). Algorithms developed to predict the effect of sequence changes on RNA splicing suggest that this variant may disrupt the consensus splice site. For these reasons, this variant has been classified as Pathogenic.

OMIM
Classification: Pathogenic for RAFIQ SYNDROME. Last evaluated: 2011-07-15. Review status: no assertion criteria provided. Collection method: literature only. Allele origin: germline. Not counted in ClinVar's aggregate classification.

Literature cited by the submitters: PubMed 24566669 (cited by Labcorp Genetics (formerly Invitae), Labcorp); PubMed 21763484 (cited by Labcorp Genetics (formerly Invitae), Labcorp and OMIM).